The following is an entry in ClinVar:

ClinVar aggregate classification (germline): Uncertain significance (1 of 4 stars; one submission).

Conditions:
Fanconi anemia (FA). Also called: Fanconi's anemia. Identifiers: Orphanet 84, MedGen C0015625, MeSH D005199, MONDO:0019391.

Submission:

Labcorp Genetics (formerly Invitae), Labcorp
Classification: Uncertain significance for Fanconi anemia. Last evaluated: 2021-11-19. Review status: criteria provided, single submitter. Criteria: Invitae Variant Classification Sherloc (09022015). Collection method: clinical testing. Allele origin: germline.
Comment: In summary, the available evidence is currently insufficient to determine the role of this variant in disease. Therefore, it has been classified as a Variant of Uncertain Significance. Algorithms developed to predict the effect of missense changes on protein structure and function are either unavailable or do not agree on the potential impact of this missense change (SIFT: "Tolerated"; PolyPhen-2: "Possibly Damaging"; Align-GVGD: "Class C0"). This variant has not been reported in the literature in individuals affected with SLX4-related conditions. This variant is not present in population databases (gnomAD no frequency). This sequence change replaces phenylalanine, which is neutral and non-polar, with serine, which is neutral and polar, at codon 1724 of the SLX4 protein (p.Phe1724Ser).

NM_032444.4(SLX4):c.5171T>C (p.Phe1724Ser)

Gene: SLX4 (SLX4 structure-specific endonuclease subunit; minus strand). Cytogenetic location: 16p13.3.
Variant type: single nucleotide variant.
Coding change: c.5171T>C on transcript NM_032444.4 (MANE Select); coding-DNA position 5171, T replaced by C.
Protein change: p.Phe1724Ser; replaces phenylalanine 1724 with serine.
Molecular consequence: missense variant.
Genome position (GRCh38, 1-based): chr16:3,582,676, A>G on the plus strand (T>C on the coding strand, the complement: SLX4 is on the minus strand). VCF-style: chr16-3582676-A-G. GRCh37 (hg19) VCF-style: chr16-3632677-A-G.
Other names: short protein forms F1724S.
Identifiers: ClinVar variation 1405364 (VCV001405364.5), dbSNP rs2151116029, ClinGen allele CA394514128.